The following is an entry in ClinVar:

ClinVar aggregate classification (germline): Likely pathogenic (1 of 4 stars; one submission).

Conditions:
Werner syndrome (WRN). Identifiers: Orphanet 902, MedGen C0043119, MONDO:0010196, OMIM 277700.

Submission:

Labcorp Genetics (formerly Invitae), Labcorp
Classification: Likely pathogenic for Werner syndrome. Last evaluated: 2024-02-02. Review status: criteria provided, single submitter. Criteria: Invitae Variant Classification Sherloc (09022015). Collection method: clinical testing. Allele origin: germline.
Comment: This sequence change affects a donor splice site in intron 24 of the WRN gene. It is expected to disrupt RNA splicing. Variants that disrupt the donor or acceptor splice site typically lead to a loss of protein function (PMID: 16199547), and loss-of-function variants in WRN are known to be pathogenic (PMID: 16673358). This variant is not present in population databases (gnomAD no frequency). This variant has not been reported in the literature in individuals affected with WRN-related conditions. Algorithms developed to predict the effect of sequence changes on RNA splicing suggest that this variant may disrupt the consensus splice site. In summary, the currently available evidence indicates that the variant is pathogenic, but additional data are needed to prove that conclusively. Therefore, this variant has been classified as Likely Pathogenic.

Literature cited by the submitters: PubMed 16199547; PubMed 16673358.

NM_000553.6(WRN):c.2967+2T>C

Gene: WRN (WRN RecQ like helicase; plus strand). Cytogenetic location: 8p12.
Variant type: single nucleotide variant.
Coding change: c.2967+2T>C on transcript NM_000553.6 (MANE Select); the canonical splice donor site of the intron after coding-DNA position 2967, T replaced by C.
Molecular consequence: splice donor variant.
Genome position (GRCh38, 1-based): chr8:31,132,508, T>C. VCF-style: chr8-31132508-T-C. GRCh37 (hg19) VCF-style: chr8-30990024-T-C.
Identifiers: ClinVar variation 3638410 (VCV003638410.2).
Genomic context (GRCh38, chr8:31,132,508, plus strand): 5'-TGGACATCTTAGGCGAAAAATTTGGAATTGGGCTTCCAATTTTATTTCTCCGAGGATCTG[T>C]AAGTATATATCTGTGAATTCCCTTCATAGATCTTCTTTTACTTCTATTACACTTTTCTTC-3'